The following is an entry in ClinVar:

NM_003477.3(PDHX):c.*486G>T

Gene: PDHX (pyruvate dehydrogenase complex component X; plus strand). Cytogenetic location: 11p13.
Variant type: single nucleotide variant.
Coding change: c.*486G>T on transcript NM_003477.3 (MANE Select); 486 bases downstream of the stop codon, G replaced by T.
Molecular consequence: 3 prime UTR variant.
Genome position (GRCh38, 1-based): chr11:34,995,658, G>T. VCF-style: chr11-34995658-G-T. GRCh37 (hg19) VCF-style: chr11-35017205-G-T.
Other names: c.*486G>T (NM_001135024.2, NM_001166158.2).
Identifiers: ClinVar variation 304481 (VCV000304481.6), dbSNP rs9326, ClinGen allele CA10634725.

ClinVar aggregate classification (germline): Benign. Review status: criteria provided, multiple submitters, no conflicts (2 of 4 stars). 2 submissions from 2 submitters: Benign (2). Last evaluated 2018-01-13.

Conditions:
Pyruvate dehydrogenase E3-binding protein deficiency (PDHXD). Also called: E3-Binding Protein (Component X) Deficiency; LACTIC ACIDEMIA DUE TO DEFECT IN LIPOYL-CONTAINING COMPONENT X OF THE PYRUVATE DEHYDROGENASE COMPLEX; Lacticacidemia due to PDX1 deficiency; PYRUVATE HYDROGENASE E3-BINDING PROTEIN DEFICIENCY. Identifiers: Orphanet 255182, MedGen C1855553, MONDO:0009503, OMIM 245349.

Allele frequency attached by ClinVar (database versions not stated): 1000 Genomes Project 30x 0.62039; 1000 Genomes Project 0.62480; TOPMed 0.64107; gnomAD 0.64642 and 0.64744; gnomAD exomes 0.69147.
gnomAD v4.1: 127,119 of 193,506 alleles (66%); highest among the groups gnomAD compares: East Asian, 75%; 42,031 homozygotes.

Submissions (2):

Illumina Laboratory Services, Illumina
Classification: Benign for Pyruvate dehydrogenase E3-binding protein deficiency. Last evaluated: 2018-01-13. Review status: criteria provided, single submitter. Criteria: ICSL Variant Classification Criteria 13 December 2019. Collection method: clinical testing. Allele origin: germline.
Comment: This variant was observed in the ICSL laboratory as part of a predisposition screen in an ostensibly healthy population. It had not been previously curated by ICSL or reported in the Human Gene Mutation Database (HGMD: prior to June 1st, 2018), and was therefore a candidate for classification through an automated scoring system. Utilizing variant allele frequency, disease prevalence and penetrance estimates, and inheritance mode, an automated score was calculated to assess if this variant is too frequent to cause the disease. Based on the score and internal cut-off values, a variant classified as benign is not then subjected to further curation. The score for this variant resulted in a classification of benign for this disease.

Breakthrough Genomics
Classification: Benign. Review status: criteria provided, single submitter. Criteria: ACMG Guidelines, 2015. Collection method: not provided. Allele origin: germline. Inheritance: Autosomal recessive inheritance. Affected: yes.